The following is an entry in ClinVar:

ClinVar aggregate classification (germline): Pathogenic (1 of 4 stars; one submission).

Conditions:
Familial hypocalciuric hypercalcemia (FHH). Also called: Familial benign hypercalcemia. Identifiers: Orphanet 405, MedGen C1809471, MONDO:0018458.
Autosomal dominant hypocalcemia 1 (HYPOC1). Also called: HYPOCALCEMIA, FAMILIAL. Identifiers: MedGen C3715128, MONDO:0011013, OMIM 601198.

Allele frequency attached by ClinVar (database versions not stated): TOPMed below 0.00001; gnomAD 0.00001.

Submission:

Labcorp Genetics (formerly Invitae), Labcorp
Classification: Pathogenic for Familial hypocalciuric hypercalcemia; Autosomal dominant hypocalcemia 1. Last evaluated: 2025-01-13. Review status: criteria provided, single submitter. Criteria: Invitae Variant Classification Sherloc (09022015). Collection method: clinical testing. Allele origin: germline.
Comment: This sequence change creates a premature translational stop signal (p.Ser749Glnfs*28) in the CASR gene. While this is not anticipated to result in nonsense mediated decay, it is expected to disrupt the last 330 amino acid(s) of the CASR protein. This variant is not present in population databases (gnomAD no frequency). This variant has not been reported in the literature in individuals affected with CASR-related conditions. ClinVar contains an entry for this variant (Variation ID: 2939567). This variant disrupts a region of the CASR protein in which other variant(s) (p.Arg886Pro) have been determined to be pathogenic (PMID: 11807402, 20798521; internal data). This suggests that this is a clinically significant region of the protein, and that variants that disrupt it are likely to be disease-causing. For these reasons, this variant has been classified as Pathogenic.

Literature cited by the submitters: PubMed 11807402; PubMed 20798521.

NM_000388.4(CASR):c.2244del (p.Ser749fs)

Gene: CASR (calcium sensing receptor; plus strand). Cytogenetic location: 3q21.1.
Variant type: Deletion.
Coding change: c.2244del on transcript NM_000388.4 (MANE Select); coding-DNA position 2244, one base deleted (G; older notation c.2244delG).
Protein change: p.Ser749fs; shifts the reading frame from serine 749.
Molecular consequence: frameshift variant.
Genome position (GRCh38, 1-based): chr3:122,284,198, G deleted. VCF-style (leftmost placement, unchanged base first): chr3-122284197-CG-C. GRCh37 (hg19) VCF-style: chr3-122003044-CG-C.
Other names: c.2274del, p.Ser759fs (NM_001178065.2); short protein forms S759fs, S749fs.
Identifiers: ClinVar variation 2939567 (VCV002939567.3), dbSNP rs2074934463, ClinGen allele CA435424761.